The following is an entry in ClinVar:

NM_015570.4(AUTS2):c.1282G>A (p.Ala428Thr)

Gene: AUTS2 (activator of transcription and developmental regulator AUTS2; plus strand). Cytogenetic location: 7q11.22.
Variant type: single nucleotide variant.
Coding change: c.1282G>A on transcript NM_015570.4 (MANE Select); coding-DNA position 1282, G replaced by A.
Protein change: p.Ala428Thr; replaces alanine 428 with threonine.
Molecular consequence: missense variant.
Genome position (GRCh38, 1-based): chr7:70,764,819, G>A. VCF-style: chr7-70764819-G-A. GRCh37 (hg19) VCF-style: chr7-70229805-G-A.
Other names: c.1282G>A, p.Ala428Thr (NM_001127231.3); short protein forms A428T.
Identifiers: ClinVar variation 2725114 (VCV002725114.3), dbSNP rs1424838491, ClinGen allele CA367668243.

ClinVar aggregate classification (germline): Uncertain significance (1 of 4 stars; one submission).

Allele frequency attached by ClinVar (database versions not stated): gnomAD exomes below 0.00001; gnomAD 0.00002.
gnomAD v4.1: 4 of 873,824 alleles (0.00046%); highest among the groups gnomAD compares: Admixed American, 0.0085%; no homozygotes.

Submission:

Labcorp Genetics (formerly Invitae), Labcorp
Classification: Uncertain significance. Last evaluated: 2024-06-21. Review status: criteria provided, single submitter. Criteria: Invitae Variant Classification Sherloc (09022015). Collection method: clinical testing. Allele origin: germline.
Comment: This sequence change replaces alanine, which is neutral and non-polar, with threonine, which is neutral and polar, at codon 428 of the AUTS2 protein (p.Ala428Thr). This variant is present in population databases (no rsID available, gnomAD 0.01%). This variant has not been reported in the literature in individuals affected with AUTS2-related conditions. Advanced modeling of protein sequence and biophysical properties (such as structural, functional, and spatial information, amino acid conservation, physicochemical variation, residue mobility, and thermodynamic stability) performed at Invitae indicates that this missense variant is not expected to disrupt AUTS2 protein function with a negative predictive value of 80%. In summary, the available evidence is currently insufficient to determine the role of this variant in disease. Therefore, it has been classified as a Variant of Uncertain Significance.